The following is an entry in ClinVar:

NM_002860.4(ALDH18A1):c.2110G>A (p.Glu704Lys)

Gene: ALDH18A1 (aldehyde dehydrogenase 18 family member A1; minus strand). Cytogenetic location: 10q24.1.
Variant type: single nucleotide variant.
Coding change: c.2110G>A on transcript NM_002860.4 (MANE Select); coding-DNA position 2110, G replaced by A.
Protein change: p.Glu704Lys; replaces glutamic acid 704 with lysine.
Molecular consequence: missense variant.
Genome position (GRCh38, 1-based): chr10:95,611,256, C>T on the plus strand (G>A on the coding strand, the complement: ALDH18A1 is on the minus strand). VCF-style: chr10-95611256-C-T. GRCh37 (hg19) VCF-style: chr10-97371013-C-T.
Other names: c.2104G>A, p.Glu702Lys (NM_001017423.2, NM_001323415.2); c.1777G>A, p.Glu593Lys (NM_001323412.2, NM_001323416.2); c.2110G>A, p.Glu704Lys (NM_001323413.2, NM_001323414.2); c.2005G>A, p.Glu669Lys (NM_001323417.2); c.1771G>A, p.Glu591Lys (NM_001323418.2); c.1474G>A, p.Glu492Lys (NM_001323419.2); short protein forms E492K, E591K, E593K, E669K, E702K, E704K.
Identifiers: ClinVar variation 985106 (VCV000985106.12), dbSNP rs758219423, ClinGen allele CA5620152.
Genomic context (GRCh38, chr10:95,611,256, plus strand): 5'-GAGCAGGATCAGAAAGCAGCAAAGGCAGACACTGTATGCGGGAAGCATCTGGACACTGAC[C>T]GTCCTCTGTGACGATGACATCCGTGTGGGAGCTGCCATACTTGTGGATGTGGTCAATGGC-3'
Protein context (NP_002851.2, residues 694-714): SHTDVIVTED[Glu704Lys]NTAEFFLQHV

ClinVar aggregate classification (germline): Conflicting classifications of pathogenicity. Review status: criteria provided, conflicting classifications (1 of 4 stars). 4 submissions from 4 submitters: Likely pathogenic (1); Uncertain significance (3). Last evaluated 2025-12-15.

Conditions:
Autosomal dominant spastic paraplegia type 9. Identifiers: MedGen C1832669, MONDO:0015091.
de Barsy syndrome. Also called: Cutis laxa-corneal clouding-oligophrenia syndrome. Identifiers: Orphanet 2962, MedGen C0268354, MONDO:0017569.
Cutis laxa, autosomal dominant 3 (ADCL3). Identifiers: Orphanet 90348, MedGen C4225268, MONDO:0014706, OMIM 616603.
ALDH18A1-related disorder. Also called: ALDH18A1-related disorders.
Inborn genetic diseases. Identifiers: MedGen C0950123, MeSH D030342.

Allele frequency attached by ClinVar (database versions not stated): gnomAD exomes below 0.00001 and 0.00001; gnomAD 0.00001; ExAC 0.00002; TOPMed below 0.00001.

Submissions (5):

Labcorp Genetics (formerly Invitae), Labcorp
Classification: Uncertain significance for Autosomal dominant spastic paraplegia type 9; de Barsy syndrome; Cutis laxa, autosomal dominant 3. Last evaluated: 2025-12-15. Review status: criteria provided, single submitter. Criteria: Invitae Variant Classification Sherloc (09022015). Collection method: clinical testing. Allele origin: germline.
Comment: This sequence change replaces glutamic acid, which is acidic and polar, with lysine, which is basic and polar, at codon 704 of the ALDH18A1 protein (p.Glu704Lys). This variant also falls at the last nucleotide of exon 16, which is part of the consensus splice site for this exon. This variant is present in population databases (rs758219423, gnomAD 0.003%). This variant has not been reported in the literature in individuals affected with ALDH18A1-related conditions. ClinVar contains an entry for this variant (Variation ID: 985106). An algorithm developed to predict the effect of missense changes on protein structure and function (PolyPhen-2) suggests that this variant is likely to be tolerated. Variants that disrupt the consensus splice site are a relatively common cause of aberrant splicing (PMID: 17576681, 9536098). Algorithms developed to predict the effect of sequence changes on RNA splicing suggest that this variant may disrupt the consensus splice site. In summary, the available evidence is currently insufficient to determine the role of this variant in disease. Therefore, it has been classified as a Variant of Uncertain Significance.

GeneDx
Classification: Likely pathogenic. Last evaluated: 2024-12-16. Review status: criteria provided, single submitter. Criteria: GeneDx Variant Classification Process June 2021. Collection method: clinical testing. Allele origin: germline. Affected: yes.
Comment: Not observed at significant frequency in large population cohorts (gnomAD); Located in the last nucleotide position of exon 16, which is part of the splice donor site; In silico analysis suggests that this missense variant does not alter protein structure/function, but splice predictors indicate that the variant may lead to abnormal gene splicing; Has not been previously published as pathogenic or benign to our knowledge; In silico analysis supports that this missense variant does not alter protein structure/function; This variant is associated with the following publications: (PMID: 26026163)

Ambry Genetics
Classification: Uncertain significance for Inborn genetic diseases. Last evaluated: 2023-01-25. Review status: criteria provided, single submitter. Criteria: Ambry Variant Classification Scheme 2023. Collection method: clinical testing. Allele origin: germline.
Comment: The c.2110G>A (p.E704K) alteration is located in exon 16 (coding exon 15) of the ALDH18A1 gene. This alteration results from a G to A substitution at nucleotide position 2110, causing the glutamic acid (E) at amino acid position 704 to be replaced by a lysine (K). This change occurs in the last base pair of exon 16 (coding exon 15), which makes it likely to have some effect on normal mRNA splicing. Based on data from gnomAD, the A allele has an overall frequency of 0.001% (3/251248) total alleles studied. The highest observed frequency was 0.003% (1/34592) of Latino alleles. This nucleotide position is highly conserved in available vertebrate species. This amino acid position is highly conserved in available vertebrate species. The p.E704K amino acid is located in the gamma-glutamyl phosphate reductase domain which catalyzes the reduction and conversion to gamma-glutamyl semi-aldehyde (Coutelier, 2015). In silico splice site analysis predicts that this alteration may weaken the native splice donor site and may result in the creation or strengthening of a novel splice donor site. Based on insufficient or conflicting evidence, the clinical significance of this alteration remains unclear.

PreventionGenetics, part of Exact Sciences
Classification: Uncertain significance for ALDH18A1-related condition. Last evaluated: 2022-10-21. Review status: criteria provided, single submitter. Criteria: ACMG Guidelines, 2015. Collection method: clinical testing. Allele origin: germline.
Comment: The ALDH18A1 c.2110G>A variant is predicted to result in the amino acid substitution p.Glu704Lys. This variant occurs at the terminal nucleotide position of an exon and splicing prediction programs predict an impact on splicing at the consensus splice site (Alamut Visual Plus v.1.6.1). However, these splicing prediction programs are not equivalent to functional evidence. To our knowledge, this variant has not been reported in the literature. This variant is reported in 0.0029% of alleles in individuals of Latino descent in gnomAD. At this time, the clinical significance of this variant is uncertain due to the absence of conclusive functional and genetic evidence.

Dr. Peter K. Rogan Lab, Western University
No classification provided (evidence only). Condition: Colon adenocarcinoma. Review status: no classification provided. Collection method: in vitro. Allele origin: not applicable. Functional consequence: retained intron. Not counted in ClinVar's aggregate classification.

Literature cited by the submitters: PubMed 17576681 (cited by Labcorp Genetics (formerly Invitae), Labcorp); PubMed 9536098 (cited by Labcorp Genetics (formerly Invitae), Labcorp); PubMed 26026163 (cited by Ambry Genetics).